The following is an entry in ClinVar:

NM_000057.4(BLM):c.889G>T (p.Asp297Tyr)

Gene: BLM (BLM RecQ like helicase; plus strand). Cytogenetic location: 15q26.1.
Variant type: single nucleotide variant.
Coding change: c.889G>T on transcript NM_000057.4 (MANE Select); coding-DNA position 889, G replaced by T.
Protein change: p.Asp297Tyr; replaces aspartic acid 297 with tyrosine.
Molecular consequence: missense variant. On other transcripts: 5 prime UTR variant (1).
Genome position (GRCh38, 1-based): chr15:90,751,876, G>T. VCF-style: chr15-90751876-G-T. GRCh37 (hg19) VCF-style: chr15-91295106-G-T.
Other names: c.889G>T, p.Asp297Tyr (NM_001287246.2, NM_001287247.2); c.-403G>T (NM_001287248.2); short protein forms D297Y.
Identifiers: ClinVar variation 2175451 (VCV002175451.4), dbSNP rs1196128608, ClinGen allele CA393841817.
Genomic context (GRCh38, chr15:90,751,876, plus strand): 5'-GAAGCTGAATTACATTCAACTGAGAAAGTTCCATGTATTGAATTTGATGATGATGATTAT[G>T]ATACGGATTTTGTTCCACCTTCTCCAGAAGAAATTATTTCTGCTTCTTCTTCCTCTTCAA-3'
Protein context (NP_000048.1, residues 287-307): PCIEFDDDDY[Asp297Tyr]TDFVPPSPEE

ClinVar aggregate classification (germline): Uncertain significance (1 of 4 stars; one submission).

Conditions:
Bloom syndrome (BLM). Also called: Bloom-Torre-Machacek syndrome. Identifiers: Orphanet 125, MedGen C0005859, MONDO:0008876, OMIM 210900.

gnomAD v4.1: 1 of 1,612,924 alleles (0.000062%); highest among the groups gnomAD compares: Non-Finnish European, 0.000085%; no homozygotes.

Submission:

Labcorp Genetics (formerly Invitae), Labcorp
Classification: Uncertain significance for Bloom syndrome. Last evaluated: 2025-12-31. Review status: criteria provided, single submitter. Criteria: Invitae Variant Classification Sherloc (09022015). Collection method: clinical testing. Allele origin: germline.
Comment: This sequence change replaces aspartic acid, which is acidic and polar, with tyrosine, which is neutral and polar, at codon 297 of the BLM protein (p.Asp297Tyr). This variant is present in population databases (no rsID available, gnomAD 0.0009%). This variant has not been reported in the literature in individuals affected with BLM-related conditions. ClinVar contains an entry for this variant (Variation ID: 2175451). Invitae Evidence Modeling of protein sequence and biophysical properties (such as structural, functional, and spatial information, amino acid conservation, physicochemical variation, residue mobility, and thermodynamic stability) indicates that this missense variant is not expected to disrupt BLM protein function with a negative predictive value of 80%. In summary, the available evidence is currently insufficient to determine the role of this variant in disease. Therefore, it has been classified as a Variant of Uncertain Significance.